The following is an entry in ClinVar:

ClinVar aggregate classification (germline): Uncertain significance. Review status: criteria provided, multiple submitters, no conflicts (2 of 4 stars). 2 submissions from 2 submitters: Uncertain significance (2). Last evaluated 2026-02-06.

Conditions:
Mitochondrial complex II deficiency, nuclear type 1. Also called: SUCCINATE CoQ REDUCTASE DEFICIENCY. Identifiers: Orphanet 3208, MedGen C5700310, MONDO:0100294, OMIM 252011.
Pheochromocytoma/paraganglioma syndrome 5. Also called: Paragangliomas 5; SDHA-Related Hereditary Paraganglioma-Pheochromocytoma Syndrome. Identifiers: Orphanet 29072, MedGen C3279992, MONDO:0013602, OMIM 614165.
Hereditary cancer-predisposing syndrome. Also called: Hereditary Cancer Syndrome; Hereditary neoplastic syndrome; Neoplastic Syndromes, Hereditary; Tumor predisposition. Identifiers: Orphanet 140162, MedGen C0027672, MeSH D009386, MONDO:0015356.

Submissions (2):

Ambry Genetics
Classification: Uncertain significance for Hereditary cancer-predisposing syndrome. Last evaluated: 2026-02-06. Review status: criteria provided, single submitter. Criteria: Ambry Variant Classification Scheme 2023. Collection method: clinical testing. Allele origin: germline.
Comment: The p.G257R variant (also known as c.769G>A), located in coding exon 6 of the SDHA gene, results from a G to A substitution at nucleotide position 769. The glycine at codon 257 is replaced by arginine, an amino acid with dissimilar properties. This amino acid position is highly conserved in available vertebrate species. In addition, this alteration is predicted to be deleterious by in silico analysis. Based on the available evidence, the clinical significance of this variant remains unclear.

Labcorp Genetics (formerly Invitae), Labcorp
Classification: Uncertain significance for Pheochromocytoma/paraganglioma syndrome 5; Mitochondrial complex II deficiency, nuclear type 1. Last evaluated: 2023-06-05. Review status: criteria provided, single submitter. Criteria: Invitae Variant Classification Sherloc (09022015). Collection method: clinical testing. Allele origin: germline.
Comment: In summary, the available evidence is currently insufficient to determine the role of this variant in disease. Therefore, it has been classified as a Variant of Uncertain Significance. An algorithm developed to predict the effect of missense changes on protein structure and function (PolyPhen-2) suggests that this variant is likely to be disruptive. ClinVar contains an entry for this variant (Variation ID: 1760185). This variant has not been reported in the literature in individuals affected with SDHA-related conditions. This variant is not present in population databases (gnomAD no frequency). This sequence change replaces glycine, which is neutral and non-polar, with arginine, which is basic and polar, at codon 257 of the SDHA protein (p.Gly257Arg).

NM_004168.4(SDHA):c.769G>A (p.Gly257Arg)

Gene: SDHA (succinate dehydrogenase complex flavoprotein subunit A; plus strand). Cytogenetic location: 5p15.33.
Variant type: single nucleotide variant.
Coding change: c.769G>A on transcript NM_004168.4 (MANE Select); coding-DNA position 769, G replaced by A.
Protein change: p.Gly257Arg; replaces glycine 257 with arginine.
Molecular consequence: missense variant.
Genome position (GRCh38, 1-based): chr5:228,332, G>A. VCF-style: chr5-228332-G-A. GRCh37 (hg19) VCF-style: chr5-228447-G-A.
Other names: c.625G>A, p.Gly209Arg (NM_001294332.2); c.769G>A, p.Gly257Arg (NM_001330758.2); short protein forms G209R, G257R.
Identifiers: ClinVar variation 1760185 (VCV001760185.6), dbSNP rs2126559351, ClinGen allele CA359011260.
Genomic context (GRCh38, chr5:228,332, plus strand): 5'-CTGTGCATAGAGGACGGGTCCATCCATCGCATAAGAGCAAAGAACACTGTTGTTGCCACA[G>A]GGTAGGAATCTCATTTCTACTTTATTTTGTTTATAAAAATGAATAAATTTCATTTAGAGT-3'
Protein context (NP_004159.2, residues 247-267): IRAKNTVVAT[Gly257Arg]GYGRTYFSCT